The following is an entry in ClinVar:

ClinVar aggregate classification (germline): Benign (1 of 4 stars; one submission).

Conditions:
Oligodontia-cancer predisposition syndrome. Also called: TOOTH AGENESIS-COLORECTAL CANCER SYNDROME. Identifiers: Orphanet 300576, MedGen C1837750, MONDO:0012075, OMIM 608615. Disease mechanism: loss of function.

gnomAD v4.1: 12 of 1,614,176 alleles (0.00074%); highest among the groups gnomAD compares: Non-Finnish European, 0.001%; no homozygotes.

Submission:

Myriad Genetics, Inc.
Classification: Benign for Oligodontia-cancer predisposition syndrome. Last evaluated: 2024-09-25. Review status: criteria provided, single submitter. Criteria: Myriad Autosomal Dominant, Autosomal Recessive and X-Linked Classification Criteria (2023). Collection method: clinical testing. Allele origin: unknown.
Comment: This variant is considered benign. This variant occurs in the non-coding 3' untranslated region of the gene, and is not expected to impact protein function.

NM_004655.4(AXIN2):c.*6G>C

Gene: AXIN2 (axin 2; minus strand). Cytogenetic location: 17q24.1.
Variant type: single nucleotide variant.
Coding change: c.*6G>C on transcript NM_004655.4 (MANE Select); 6 bases downstream of the stop codon, G replaced by C.
Molecular consequence: 3 prime UTR variant.
Genome position (GRCh38, 1-based): chr17:65,529,970, C>G on the plus strand (G>C on the coding strand, the complement: AXIN2 is on the minus strand). VCF-style: chr17-65529970-C-G. GRCh37 (hg19) VCF-style: chr17-63526088-C-G.
Other names: c.*6G>C (NM_001363813.1).
Identifiers: ClinVar variation 3378956 (VCV003378956.1).